The following is an entry in ClinVar:

NM_001128159.3(VPS53):c.2232G>A (p.Met744Ile)

Gene: VPS53 (VPS53 subunit of GARP complex; minus strand). Cytogenetic location: 17p13.3.
Variant type: single nucleotide variant.
Coding change: c.2232G>A on transcript NM_001128159.3 (MANE Select); coding-DNA position 2232, G replaced by A.
Protein change: p.Met744Ile; replaces methionine 744 with isoleucine.
Molecular consequence: missense variant.
Genome position (GRCh38, 1-based): chr17:519,922, C>T on the plus strand (G>A on the coding strand, the complement: VPS53 is on the minus strand). VCF-style: chr17-519922-C-T. GRCh37 (hg19) VCF-style: chr17-423162-C-T.
Other names: short protein forms M744I.
Identifiers: ClinVar variation 2227773 (VCV002227773.2), dbSNP rs2543491905, ClinGen allele CA397709666.

ClinVar aggregate classification (germline): Uncertain significance (1 of 4 stars; one submission).

Conditions:
Inborn genetic diseases. Identifiers: MedGen C0950123, MeSH D030342.

Submission:

Ambry Genetics
Classification: Uncertain significance for Inborn genetic diseases. Last evaluated: 2020-11-04. Review status: criteria provided, single submitter. Criteria: Ambry Variant Classification Scheme 2023. Collection method: clinical testing. Allele origin: germline.
Comment: The c.2232G>A (p.M744I) alteration is located in coding exon 21 of the VPS53 gene. This alteration results from a G to A substitution at nucleotide position 2232, causing the methionine (M) at amino acid position 744 to be replaced by an isoleucine (I). Based on data from the Genome Aggregation Database (gnomAD), the VPS53 c.2232G>A alteration was not observed, with coverage at this position. This amino acid position is highly conserved in available vertebrate species. The in silico prediction for the p.M744I alteration is inconclusive. Based on insufficient or conflicting evidence, the clinical significance of this alteration remains unclear.